The following is an entry in ClinVar:

ClinVar aggregate classification (germline): Uncertain significance (1 of 4 stars; one submission).

gnomAD v4.1: 1 of 1,613,864 alleles (0.000062%); highest among the groups gnomAD compares: Non-Finnish European, 0.000085%; no homozygotes.

Submission:

Labcorp Genetics (formerly Invitae), Labcorp
Classification: Uncertain significance. Last evaluated: 2026-01-05. Review status: criteria provided, single submitter. Criteria: Invitae Variant Classification Sherloc (09022015). Collection method: clinical testing. Allele origin: germline.
Comment: This sequence change replaces arginine, which is basic and polar, with histidine, which is basic and polar, at codon 2212 of the ACACA protein (p.Arg2212His). This variant is not present in population databases (gnomAD no frequency). This variant has not been reported in the literature in individuals affected with ACACA-related conditions. An algorithm developed to predict the effect of missense changes on protein structure and function (PolyPhen-2) suggests that this variant is likely to be disruptive. In summary, the available evidence is currently insufficient to determine the role of this variant in disease. Therefore, it has been classified as a Variant of Uncertain Significance.

NM_198834.3(ACACA):c.6746G>A (p.Arg2249His)

Genes: ACACA (acetyl-CoA carboxylase alpha; minus strand), LOC126862545 (BRD4-independent group 4 enhancer GRCh37_chr17:35453499-35454698; plus strand). Cytogenetic location: 17q12.
Variant type: single nucleotide variant.
Coding change: c.6746G>A on transcript NM_198834.3 (MANE Select); coding-DNA position 6746, G replaced by A.
Protein change: p.Arg2249His; replaces arginine 2249 with histidine.
Molecular consequence: missense variant.
Genome position (GRCh38, 1-based): chr17:37,097,141, C>T on the plus strand (G>A on the coding strand, the complement: ACACA is on the minus strand). VCF-style: chr17-37097141-C-T. GRCh37 (hg19) VCF-style: chr17-35454076-C-T.
Other names: c.6635G>A, p.Arg2212His (NM_198836.3, NM_198839.3); c.6461G>A, p.Arg2154His (NM_198837.2); c.6401G>A, p.Arg2134His (NM_198838.2); short protein forms R2134H, R2154H, R2212H, R2249H.
Identifiers: ClinVar variation 4810643 (VCV004810643.1).
Genomic context (GRCh38, chr17:37,097,141, plus strand): 5'-ATTTTCTTCTTGACCAGGTCCTCCAGCAGAAGACGCCTCAGCCGCCAGTAGAAGAAGGTA[C>T]GGGATGTTTTCCAATCCAGGATATCCTACATGCAGAGAAGAATAAACTTAGCCCAGTCCT-3'
Protein context (NP_942131.1, residues 2239-2259): ISDILDWKTS[Arg2249His]TFFYWRLRRL